The following is an entry in ClinVar:

ClinVar aggregate classification (germline): Uncertain significance. Review status: criteria provided, multiple submitters, no conflicts (2 of 4 stars). 3 submissions from 3 submitters: Uncertain significance (3). Last evaluated 2023-10-12.

Conditions:
MAP2K2-related disorder. Also called: MAP2K2-related condition.

Allele frequency attached by ClinVar (database versions not stated): gnomAD exomes below 0.00001; ExAC 0.00001.
gnomAD v4.1: 5 of 1,613,866 alleles (0.00031%); highest among the groups gnomAD compares: Non-Finnish European, 0.00042%; no homozygotes.

Submissions (3):

PreventionGenetics, part of Exact Sciences
Classification: Uncertain significance for MAP2K2-related condition. Last evaluated: 2023-10-12. Review status: criteria provided, single submitter. Criteria: ACMG Guidelines, 2015. Collection method: clinical testing. Allele origin: germline.
Comment: The MAP2K2 c.352G>A variant is predicted to result in the amino acid substitution p.Glu118Lys. To our knowledge, this variant has not been reported in the literature. This variant is reported in 0.00088% of alleles in individuals of European (Non-Finnish) descent in gnomAD. At this time, the clinical significance of this variant is uncertain due to the absence of conclusive functional and genetic evidence.

Blueprint Genetics
Classification: Uncertain significance. Last evaluated: 2020-12-18. Review status: criteria provided, single submitter. Criteria: ACMG Guidelines, 2015. Collection method: clinical testing. Allele origin: germline.

Women's Health and Genetics/Laboratory Corporation of America, LabCorp
Classification: Uncertain significance. Last evaluated: 2018-06-25. Review status: criteria provided, single submitter. Criteria: LabCorp Variant Classification Summary - May 2015. Collection method: clinical testing. Allele origin: germline.
Comment: Variant summary: MAP2K2 c.352G>A (p.Glu118Lys) results in a conservative amino acid change located in the Protein kinase domain of the encoded protein sequence. Four of five in-silico tools predict a damaging effect of the variant on protein function. The variant allele was found at a frequency of 4.1e-06 in 245850 control chromosomes (gnomAD). The available data on variant occurrences in the general population are insufficient to allow any conclusion about variant significance. To our knowledge, no occurrence of c.352G>A in individuals affected with Noonan Syndrome and Related Conditions and no experimental evidence demonstrating its impact on protein function have been reported. No clinical diagnostic laboratories have submitted clinical-significance assessments for this variant to ClinVar after 2014. Based on the evidence outlined above, the variant was classified as uncertain significance.

NM_030662.4(MAP2K2):c.352G>A (p.Glu118Lys)

Gene: MAP2K2 (mitogen-activated protein kinase kinase 2; minus strand). Cytogenetic location: 19p13.3.
Variant type: single nucleotide variant.
Coding change: c.352G>A on transcript NM_030662.4 (MANE Select); coding-DNA position 352, G replaced by A.
Protein change: p.Glu118Lys; replaces glutamic acid 118 with lysine.
Molecular consequence: missense variant.
Genome position (GRCh38, 1-based): chr19:4,110,607, C>T on the plus strand (G>A on the coding strand, the complement: MAP2K2 is on the minus strand). VCF-style: chr19-4110607-C-T. GRCh37 (hg19) VCF-style: chr19-4110605-C-T.
Other names: short protein forms E118K.
Identifiers: ClinVar variation 632882 (VCV000632882.3), dbSNP rs756646033, ClinGen allele CA9091017.
Genomic context (GRCh38, chr19:4,110,607, plus strand): 5'-AGAAGGCCCCGTAGAAGCCCACGATGTACGGCGAGTTGCATTCGTGCAGGACCTGCAGCT[C>T]GCGGATGATCTGGTTCCGGATGGCCGGCTTGATCTCAAGGTGGATCAGCTGCAAGGGGAG-3'
Protein context (NP_109587.1, residues 108-128): KPAIRNQIIR[Glu118Lys]LQVLHECNSP